The following is an entry in ClinVar:

ClinVar aggregate classification (germline): Uncertain significance (1 of 4 stars; one submission).

Conditions:
Hereditary cancer-predisposing syndrome. Also called: Tumor predisposition; Hereditary Cancer Syndrome; Hereditary neoplastic syndrome; Neoplastic Syndromes, Hereditary. Identifiers: Orphanet 140162, MedGen C0027672, MeSH D009386, MONDO:0015356.

Submission:

Ambry Genetics
Classification: Uncertain significance for Hereditary cancer-predisposing syndrome. Last evaluated: 2023-07-29. Review status: criteria provided, single submitter. Criteria: Ambry Variant Classification Scheme 2023. Collection method: clinical testing. Allele origin: germline.
Comment: The p.R476M variant (also known as c.1427G>T), located in coding exon 10 of the SDHA gene, results from a G to T substitution at nucleotide position 1427. The arginine at codon 476 is replaced by methionine, an amino acid with similar properties. This amino acid position is conserved. In addition, this alteration is predicted to be tolerated by in silico analysis. Since supporting evidence is limited at this time, the clinical significance of this alteration remains unclear.

NM_004168.4(SDHA):c.1427G>T (p.Arg476Met)

Gene: SDHA (succinate dehydrogenase complex flavoprotein subunit A; plus strand). Cytogenetic location: 5p15.33.
Variant type: single nucleotide variant.
Coding change: c.1427G>T on transcript NM_004168.4 (MANE Select); coding-DNA position 1427, G replaced by T.
Protein change: p.Arg476Met; replaces arginine 476 with methionine.
Molecular consequence: missense variant.
Genome position (GRCh38, 1-based): chr5:236,594, G>T. VCF-style: chr5-236594-G-T. GRCh37 (hg19) VCF-style: chr5-236709-G-T.
Other names: c.1283G>T, p.Arg428Met (NM_001294332.2); c.1427G>T, p.Arg476Met (NM_001330758.2); short protein forms R428M, R476M.
Identifiers: ClinVar variation 2587079 (VCV002587079.2), dbSNP rs2126590736, ClinGen allele CA359014134.